The following is an entry in ClinVar:

ClinVar aggregate classification (germline): Uncertain significance (1 of 4 stars; one submission).

Conditions:
HECW2-related disorder. Also called: HECW2-related condition.

Submission:

PreventionGenetics, part of Exact Sciences
Classification: Uncertain significance for HECW2-related condition. Last evaluated: 2026-07-15. Review status: criteria provided, single submitter. Criteria: ACMG Guidelines, 2015. Collection method: clinical testing. Allele origin: germline.
Comment: The HECW2 c.46A>C variant is predicted to result in the amino acid substitution p.Asn16His. To our knowledge, this variant has not been reported in the literature or in a large population database (gnomAD), indicating this variant is rare. At this time, the clinical significance of this variant is uncertain due to the absence of conclusive functional and genetic evidence.

NM_001348768.2(HECW2):c.46A>C (p.Asn16His)

Gene: HECW2 (HECT, C2 and WW domain containing E3 ubiquitin protein ligase 2; minus strand). Cytogenetic location: 2q32.3.
Variant type: single nucleotide variant.
Coding change: c.46A>C on transcript NM_001348768.2 (MANE Select); coding-DNA position 46, A replaced by C.
Protein change: p.Asn16His; replaces asparagine 16 with histidine.
Molecular consequence: missense variant.
Genome position (GRCh38, 1-based): chr2:196,433,378, T>G on the plus strand (A>C on the coding strand, the complement: HECW2 is on the minus strand). VCF-style: chr2-196433378-T-G. GRCh37 (hg19) VCF-style: chr2-197298102-T-G.
Other names: c.46A>C, p.Asn16His (NM_020760.4); short protein forms N16H.
Identifiers: ClinVar variation 4987468 (VCV004987468.1).